The following is an entry in ClinVar:

ClinVar aggregate classification (germline): Uncertain significance. Review status: criteria provided, multiple submitters, no conflicts (2 of 4 stars). 2 submissions from 2 submitters: Uncertain significance (2). Last evaluated 2025-04-28.

Conditions:
Inborn genetic diseases. Identifiers: MedGen C0950123, MeSH D030342.

Allele frequency attached by ClinVar (database versions not stated): gnomAD exomes below 0.00001.
gnomAD v4.1: 4 of 1,586,958 alleles (0.00025%); highest among the groups gnomAD compares: Non-Finnish European, 0.00034%; no homozygotes.

Submissions (2):

Labcorp Genetics (formerly Invitae), Labcorp
Classification: Uncertain significance. Last evaluated: 2025-04-28. Review status: criteria provided, single submitter. Criteria: Invitae Variant Classification Sherloc (09022015). Collection method: clinical testing. Allele origin: germline.
Comment: This sequence change replaces lysine, which is basic and polar, with arginine, which is basic and polar, at codon 142 of the IFT81 protein (p.Lys142Arg). This variant is not present in population databases (gnomAD no frequency). This variant has not been reported in the literature in individuals affected with IFT81-related conditions. ClinVar contains an entry for this variant (Variation ID: 2000502). Invitae Evidence Modeling of protein sequence and biophysical properties (such as structural, functional, and spatial information, amino acid conservation, physicochemical variation, residue mobility, and thermodynamic stability) indicates that this missense variant is not expected to disrupt IFT81 protein function with a negative predictive value of 80%. In summary, the available evidence is currently insufficient to determine the role of this variant in disease. Therefore, it has been classified as a Variant of Uncertain Significance.

Ambry Genetics
Classification: Uncertain significance for Inborn genetic diseases. Last evaluated: 2021-08-17. Review status: criteria provided, single submitter. Criteria: Ambry Variant Classification Scheme 2023. Collection method: clinical testing. Allele origin: germline.

NM_014055.4(IFT81):c.425A>G (p.Lys142Arg)

Gene: IFT81 (intraflagellar transport 81; plus strand). Cytogenetic location: 12q24.11.
Variant type: single nucleotide variant.
Coding change: c.425A>G on transcript NM_014055.4 (MANE Select); coding-DNA position 425, A replaced by G.
Protein change: p.Lys142Arg; replaces lysine 142 with arginine.
Molecular consequence: missense variant. On other transcripts: 5 prime UTR variant (2), non-coding transcript variant (4).
Genome position (GRCh38, 1-based): chr12:110,129,126, A>G. VCF-style: chr12-110129126-A-G. GRCh37 (hg19) VCF-style: chr12-110566931-A-G.
Other names: c.425A>G, p.Lys142Arg (NM_001143779.2, NM_001347946.2, NM_031473.4); c.-342A>G (NM_001347947.2, NM_001347948.2); short protein forms K142R.
Identifiers: ClinVar variation 2000502 (VCV002000502.5), dbSNP rs1894021033, ClinGen allele CA386907872.